The following is an entry in ClinVar:

ClinVar aggregate classification (germline): Uncertain significance (1 of 4 stars; one submission).

Conditions:
Arrhythmogenic right ventricular dysplasia 8 (ARVD8). Also called: Arrhythmogenic Right Ventricular Dysplasia/Cardiomyopathy 8; ARRHYTHMOGENIC RIGHT VENTRICULAR DYSPLASIA, FAMILIAL, 8; ARRHYTHMOGENIC RIGHT VENTRICULAR CARDIOMYOPATHY 8. Identifiers: MedGen C1843896, MONDO:0011831, OMIM 607450.
Arrhythmogenic cardiomyopathy with wooly hair and keratoderma. Also called: Carvajal syndrome; PALMOPLANTAR KERATODERMA WITH LEFT VENTRICULAR CARDIOMYOPATHY AND WOOLLY HAIR; Dilated cardiomyopathy with woolly hair and keratoderma; Arrhythmogenic cardiomyopathy with woolly hair and keratoderma. Identifiers: Orphanet 65282, MedGen C1854063, MONDO:0011581, OMIM 605676.

Submission:

Labcorp Genetics (formerly Invitae), Labcorp
Classification: Uncertain significance for Arrhythmogenic cardiomyopathy with wooly hair and keratoderma; Arrhythmogenic right ventricular dysplasia 8. Last evaluated: 2019-05-31. Review status: criteria provided, single submitter. Criteria: Invitae Variant Classification Sherloc (09022015). Collection method: clinical testing. Allele origin: germline.
Comment: In summary, the available evidence is currently insufficient to determine the role of this variant in disease. Therefore, it has been classified as a Variant of Uncertain Significance. Algorithms developed to predict the effect of missense changes on protein structure and function (SIFT, PolyPhen-2, Align-GVGD) all suggest that this variant is likely to be tolerated, but these predictions have not been confirmed by published functional studies and their clinical significance is uncertain. This variant has not been reported in the literature in individuals with DSP-related conditions. This variant is not present in population databases (ExAC no frequency). This sequence change replaces methionine with arginine at codon 1285 of the DSP protein (p.Met1285Arg). The methionine residue is moderately conserved and there is a moderate physicochemical difference between methionine and arginine.

NM_004415.4(DSP):c.3854T>G (p.Met1285Arg)

Gene: DSP (desmoplakin; plus strand). Cytogenetic location: 6p24.3.
Variant type: single nucleotide variant.
Coding change: c.3854T>G on transcript NM_004415.4 (MANE Select); coding-DNA position 3854, T replaced by G.
Protein change: p.Met1285Arg; replaces methionine 1285 with arginine.
Molecular consequence: missense variant. On other transcripts: intron variant (1).
Genome position (GRCh38, 1-based): chr6:7,580,044, T>G. VCF-style: chr6-7580044-T-G. GRCh37 (hg19) VCF-style: chr6-7580277-T-G.
Other names: c.3854T>G, p.Met1285Arg (NM_001319034.2); c.3582+272T>G (NM_001008844.3); short protein forms M1285R.
Identifiers: ClinVar variation 939868 (VCV000939868.10), dbSNP rs1759372184, ClinGen allele CA362684999.
Genomic context (GRCh38, chr6:7,580,044, plus strand): 5'-AGCAGCGAAGGCGAGCTGAAGAAAACGCCCTTCAGCAAAAGGCCTGTGGCTCTGAGATAA[T>G]GCAGAAGAAGCAGCATCTGGAGATAGAACTGAAGCAGGTCATGCAGCAGCGCTCTGAGGA-3'
Protein context (NP_004406.2, residues 1275-1295): LQQKACGSEI[Met1285Arg]QKKQHLEIEL